The following is an entry in ClinVar:

NM_001111.5(ADAR):c.2467T>G (p.Ser823Ala)

Gene: ADAR (adenosine deaminase RNA specific; minus strand). Cytogenetic location: 1q21.3.
Variant type: single nucleotide variant.
Coding change: c.2467T>G on transcript NM_001111.5 (MANE Select); coding-DNA position 2467, T replaced by G.
Protein change: p.Ser823Ala; replaces serine 823 with alanine.
Molecular consequence: missense variant. On other transcripts: intron variant (3).
Genome position (GRCh38, 1-based): chr1:154,590,213, A>C on the plus strand (T>G on the coding strand, the complement: ADAR is on the minus strand). VCF-style: chr1-154590213-A-C. GRCh37 (hg19) VCF-style: chr1-154562689-A-C.
Other names: c.1582T>G, p.Ser528Ala (NM_001025107.3, NM_001193495.2, NM_001365046.1 and 2 more transcripts); c.2494T>G, p.Ser832Ala (NM_001365045.1); c.1533+49T>G (NM_001365049.1); c.2361+49T>G (NM_015841.4); c.2418+49T>G (NM_015840.4); short protein forms S823A, S528A, S832A.
Identifiers: ClinVar variation 2088642 (VCV002088642.4), dbSNP rs2526522769, ClinGen allele CA342637191.

ClinVar aggregate classification (germline): Uncertain significance (1 of 4 stars; one submission).

Conditions:
Symmetrical dyschromatosis of extremities (DSH). Also called: RETICULATE ACROPIGMENTATION OF DOHI; SYMMETRIC DYSCHROMATOSIS OF THE EXTREMITIES; Dyschromatosis symmetrica hereditaria; DYSCHROMATOSIS SYMMETRICA HEREDITARIA 1. Identifiers: Orphanet 41, MedGen C0406775, MONDO:0007483, OMIM 127400.
Aicardi-Goutieres syndrome 6 (AGS6). Identifiers: Orphanet 51, MedGen C3539013, MONDO:0014007, OMIM 615010.

Submission:

Labcorp Genetics (formerly Invitae), Labcorp
Classification: Uncertain significance for Aicardi-Goutieres syndrome 6; Symmetrical dyschromatosis of extremities. Last evaluated: 2022-01-21. Review status: criteria provided, single submitter. Criteria: Invitae Variant Classification Sherloc (09022015). Collection method: clinical testing. Allele origin: germline.
Comment: In summary, the available evidence is currently insufficient to determine the role of this variant in disease. Therefore, it has been classified as a Variant of Uncertain Significance. Algorithms developed to predict the effect of missense changes on protein structure and function are either unavailable or do not agree on the potential impact of this missense change (SIFT: "Deleterious"; PolyPhen-2: "Benign"; Align-GVGD: "Class C0"). This variant has not been reported in the literature in individuals affected with ADAR-related conditions. This variant is not present in population databases (gnomAD no frequency). This sequence change replaces serine, which is neutral and polar, with alanine, which is neutral and non-polar, at codon 823 of the ADAR protein (p.Ser823Ala).